The following is an entry in ClinVar:

NM_002335.4(LRP5):c.3515G>A (p.Arg1172His)

Gene: LRP5 (LDL receptor related protein 5; plus strand). Cytogenetic location: 11q13.2.
Variant type: single nucleotide variant.
Coding change: c.3515G>A on transcript NM_002335.4 (MANE Select); coding-DNA position 3515, G replaced by A.
Protein change: p.Arg1172His; replaces arginine 1172 with histidine.
Molecular consequence: missense variant.
Genome position (GRCh38, 1-based): chr11:68,426,065, G>A. VCF-style: chr11-68426065-G-A. GRCh37 (hg19) VCF-style: chr11-68193533-G-A.
Other names: c.1772G>A, p.Arg591His (NM_001291902.2); short protein forms R1172H, R591H.
Identifiers: ClinVar variation 452890 (VCV000452890.7), dbSNP rs751672886, ClinGen allele CA6150016.

ClinVar aggregate classification (germline): Uncertain significance. Review status: criteria provided, multiple submitters, no conflicts (2 of 4 stars). 2 submissions from 2 submitters: Uncertain significance (2). Last evaluated 2022-09-01.

Allele frequency attached by ClinVar (database versions not stated): gnomAD exomes below 0.00001; TOPMed below 0.00001; ExAC 0.00001; gnomAD 0.00001.
gnomAD v4.1: 5 of 1,613,530 alleles (0.00031%); highest among the groups gnomAD compares: East Asian, 0.0022%; no homozygotes.

Submissions (2):

Labcorp Genetics (formerly Invitae), Labcorp
Classification: Uncertain significance. Last evaluated: 2022-09-01. Review status: criteria provided, single submitter. Criteria: Invitae Variant Classification Sherloc (09022015). Collection method: clinical testing. Allele origin: germline.
Comment: ClinVar contains an entry for this variant (Variation ID: 452890). This variant has not been reported in the literature in individuals affected with LRP5-related conditions. This variant is present in population databases (rs751672886, gnomAD 0.005%). This sequence change replaces arginine, which is basic and polar, with histidine, which is basic and polar, at codon 1172 of the LRP5 protein (p.Arg1172His). Advanced modeling of protein sequence and biophysical properties (such as structural, functional, and spatial information, amino acid conservation, physicochemical variation, residue mobility, and thermodynamic stability) performed at Invitae indicates that this missense variant is not expected to disrupt LRP5 protein function. In summary, the available evidence is currently insufficient to determine the role of this variant in disease. Therefore, it has been classified as a Variant of Uncertain Significance.

GeneDx
Classification: Uncertain significance. Last evaluated: 2017-10-27. Review status: criteria provided, single submitter. Criteria: GeneDx Variant Classification (06012015). Collection method: clinical testing. Allele origin: germline. Affected: yes.
Comment: The R1172H variant in the LRP5 gene has not been reported previously as a pathogenic variant, nor as a benign variant, to our knowledge. The R1172H variant is observed in 1/21788 (0.00005%) alleles from individuals of Finnish background, in large population cohorts (Lek et al., 2016). The R1172H variant is a conservative amino acid substitution, which is not likely to impact secondary protein structure as these residues share similar properties. This substitution occurs at a position where amino acids with similar properties to Arginine are tolerated across species. In silico analysis predicts this variant is probably damaging to the protein structure/function. We interpret R1172H as a variant of uncertain significance.